The following is an entry in ClinVar:

ClinVar aggregate classification (germline): Likely benign (1 of 4 stars; one submission).

Submission:

CeGaT Center for Human Genetics Tuebingen
Classification: Likely benign. Last evaluated: 2024-09-01. Review status: criteria provided, single submitter. Criteria: CeGaT Center For Human Genetics Tuebingen Variant Classification Criteria Version 2. Collection method: clinical testing. Allele origin: germline. Affected: yes. Observed: 1 variant allele.
Comment: SHANK3: BP4

NM_001372044.2(SHANK3):c.4201C>T (p.Pro1401Ser)

Gene: SHANK3 (SH3 and multiple ankyrin repeat domains 3; plus strand). Cytogenetic location: 22q13.33.
Variant type: single nucleotide variant.
Coding change: c.4201C>T on transcript NM_001372044.2 (MANE Select); coding-DNA position 4201, C replaced by T.
Protein change: p.Pro1401Ser; replaces proline 1401 with serine.
Molecular consequence: missense variant.
Genome position (GRCh38, 1-based): chr22:50,721,809, C>T. VCF-style: chr22-50721809-C-T. GRCh37 (hg19) VCF-style: chr22-51160237-C-T.
Other names: short protein forms P1401S.
Identifiers: ClinVar variation 3389016 (VCV003389016.14).